The following is an entry in ClinVar:

NM_000744.7(CHRNA4):c.858C>G (p.Thr286=)

Gene: CHRNA4 (cholinergic receptor nicotinic alpha 4 subunit; minus strand). Cytogenetic location: 20q13.33.
Variant type: single nucleotide variant.
Coding change: c.858C>G on transcript NM_000744.7 (MANE Select); coding-DNA position 858, C replaced by G.
Protein change: p.Thr286=; no amino-acid change (threonine 286 retained).
Molecular consequence: synonymous variant. On other transcripts: non-coding transcript variant (1).
Genome position (GRCh38, 1-based): chr20:63,350,553, G>C on the plus strand (C>G on the coding strand, the complement: CHRNA4 is on the minus strand). VCF-style: chr20-63350553-G-C. GRCh37 (hg19) VCF-style: chr20-61981905-G-C.
Other names: c.330C>G, p.Thr110= (NM_001256573.2).
Identifiers: ClinVar variation 388429 (VCV000388429.1), dbSNP rs121912257, ClinGen allele CA16608014.
Genomic context (GRCh38, chr20:63,350,553, plus strand): 5'-GATGAGTGGGATGACCAGTGAGGTGGACGGGATGATCTCGGTGATGAGCAGCAGGAAGAC[G>C]GTGAGCGACAGCAGCACGGAGATGCACAGCGTGATCTTCTCGCCACACTCGGAGGGCAGG-3'
Protein context (NP_000735.1, residues 276-296): TLCISVLLSL[Thr286=]VFLLLITEII

ClinVar aggregate classification (germline): Likely benign (1 of 4 stars; one submission).

Submission:

GeneDx
Classification: Likely benign. Last evaluated: 2016-08-05. Review status: criteria provided, single submitter. Criteria: GeneDx Variant Classification (06012015). Collection method: clinical testing. Allele origin: germline. Affected: yes.
Comment: This variant is considered likely benign or benign based on one or more of the following criteria: it is a conservative change, it occurs at a poorly conserved position in the protein, it is predicted to be benign by multiple in silico algorithms, and/or has population frequency not consistent with disease.